The following is an entry in ClinVar:

ClinVar aggregate classification (germline): Likely benign. Review status: criteria provided, multiple submitters, no conflicts (2 of 4 stars). 3 submissions from 3 submitters: Likely benign (2). 1 of the submissions does not count toward it. Last evaluated 2025-04-03.

Conditions:
GCM2-related disorder. Also called: GCM2-related condition.

Allele frequency attached by ClinVar (database versions not stated): gnomAD 0.00001; TOPMed 0.00003; ESP Exome Variant Server 0.00008; ExAC 0.00017.
gnomAD v4.1: 120 of 1,613,884 alleles (0.0074%); highest among the groups gnomAD compares: Admixed American, 0.012%; 1 homozygote.

Submissions (3):

Labcorp Genetics (formerly Invitae), Labcorp
Classification: Likely benign. Last evaluated: 2025-04-03. Review status: criteria provided, single submitter. Criteria: Invitae Variant Classification Sherloc (09022015). Collection method: clinical testing. Allele origin: germline.

Blueprint Genetics
Classification: Likely benign. Last evaluated: 2024-07-12. Review status: criteria provided, single submitter. Criteria: ACMG Guidelines, 2015. Collection method: clinical testing. Allele origin: germline.

PreventionGenetics, part of Exact Sciences
Classification: Likely benign for GCM2-related condition. Last evaluated: 2019-04-25. Review status: no assertion criteria provided. Collection method: clinical testing. Allele origin: germline. Not counted in ClinVar's aggregate classification.
Comment: This variant is classified as likely benign based on ACMG/AMP sequence variant interpretation guidelines (Richards et al. 2015 PMID: 25741868, with internal and published modifications).

NM_004752.4(GCM2):c.282C>T (p.Pro94=)

Gene: GCM2 (GCM transcription factor 2; minus strand). Cytogenetic location: 6p24.2.
Variant type: single nucleotide variant.
Coding change: c.282C>T on transcript NM_004752.4 (MANE Select); coding-DNA position 282, C replaced by T.
Protein change: p.Pro94=; no amino-acid change (proline 94 retained).
Molecular consequence: synonymous variant.
Genome position (GRCh38, 1-based): chr6:10,877,201, G>A on the plus strand (C>T on the coding strand, the complement: GCM2 is on the minus strand). VCF-style: chr6-10877201-G-A. GRCh37 (hg19) VCF-style: chr6-10877434-G-A.
Other names: c.282C>T (NM_004752.3).
Identifiers: ClinVar variation 2418600 (VCV002418600.10), dbSNP rs368441029, ClinGen allele CA3634131.